The following is an entry in ClinVar:

ClinVar aggregate classification (germline): Likely pathogenic (1 of 4 stars; one submission).

Conditions:
Holocarboxylase synthetase deficiency. Also called: MULTIPLE CARBOXYLASE DEFICIENCY, EARLY ONSET. Identifiers: Orphanet 79242, MedGen C0268581, MONDO:0009666, OMIM 253270.

gnomAD v4.1: 2 of 1,614,190 alleles (0.00012%); highest among the groups gnomAD compares: Non-Finnish European, 0.00017%; no homozygotes.

Submission:

Labcorp Genetics (formerly Invitae), Labcorp
Classification: Likely pathogenic for Holocarboxylase synthetase deficiency. Last evaluated: 2026-01-05. Review status: criteria provided, single submitter. Criteria: Invitae Variant Classification Sherloc (09022015). Collection method: clinical testing. Allele origin: germline.
Comment: This sequence change replaces arginine, which is basic and polar, with glutamine, which is neutral and polar, at codon 508 of the HLCS protein (p.Arg508Gln). This variant is present in population databases (no rsID available, gnomAD 0.0009%). This variant has not been reported in the literature in individuals affected with HLCS-related conditions. Invitae Evidence Modeling of protein sequence and biophysical properties (such as structural, functional, and spatial information, amino acid conservation, physicochemical variation, residue mobility, and thermodynamic stability) indicates that this missense variant is expected to disrupt HLCS protein function with a positive predictive value of 95%. This variant disrupts the p.Arg508 amino acid residue in HLCS. Other variant(s) that disrupt this residue have been determined to be pathogenic (PMID: 8817339, 11185745, 16231399, 17407983, 21874615). This suggests that this residue is clinically significant, and that variants that disrupt this residue are likely to be disease-causing. In summary, the currently available evidence indicates that the variant is pathogenic, but additional data are needed to prove that conclusively. Therefore, this variant has been classified as Likely Pathogenic.

Literature cited by the submitters: PubMed 8817339; PubMed 11185745; PubMed 16231399; PubMed 17407983; PubMed 21874615.

NM_001352514.2(HLCS):c.1964G>A (p.Arg655Gln)

Gene: HLCS (holocarboxylase synthetase; minus strand). Cytogenetic location: 21q22.13.
Variant type: single nucleotide variant.
Coding change: c.1964G>A on transcript NM_001352514.2 (MANE Select); coding-DNA position 1964, G replaced by A.
Protein change: p.Arg655Gln; replaces arginine 655 with glutamine.
Molecular consequence: missense variant. On other transcripts: non-coding transcript variant (2).
Genome position (GRCh38, 1-based): chr21:36,765,169, C>T on the plus strand (G>A on the coding strand, the complement: HLCS is on the minus strand). VCF-style: chr21-36765169-C-T. GRCh37 (hg19) VCF-style: chr21-38137470-C-T.
Other names: c.1523G>A, p.Arg508Gln (NM_000411.8, NM_001242784.3, NM_001242785.2 and 4 more transcripts); short protein forms R508Q, R655Q.
Identifiers: ClinVar variation 4719186 (VCV004719186.1).
Genomic context (GRCh38, chr21:36,765,169, plus strand): 5'-ATGGAGATGAGCAGAGTAGAAAGAGCACATCCCACAGGGCTCAGCCACACATTCCCTCCC[C>T]GTCCTGGAACACAGGCCACAGTGGGAAACATGCTACCTTGCCACGTGGACAGACGCAGAC-3'
Protein context (NP_001339443.1, residues 645-665): IAARQTEGKG[Arg655Gln]GGNVWLSPVG